The following is an entry in ClinVar:

ClinVar aggregate classification (germline): Likely benign (1 of 4 stars; one submission).

Allele frequency attached by ClinVar (database versions not stated): gnomAD 0.00593 and 0.00638; TOPMed 0.00669; 1000 Genomes Project 30x 0.00703; 1000 Genomes Project 0.00759.
gnomAD v4.1: 888 of 152,038 alleles (0.58%); highest among the groups gnomAD compares: African/African-American, 2.1%; 8 homozygotes.

Submission:

GeneDx
Classification: Likely benign. Last evaluated: 2018-06-16. Review status: criteria provided, single submitter. Criteria: GeneDx Variant Classification (06012015). Collection method: clinical testing. Allele origin: germline. Affected: yes.
Comment: This variant is considered likely benign or benign based on one or more of the following criteria: it is a conservative change, it occurs at a poorly conserved position in the protein, it is predicted to be benign by multiple in silico algorithms, and/or has population frequency not consistent with disease.

NM_001232.4(CASQ2):c.783+256C>G

Gene: CASQ2 (calsequestrin 2; minus strand). Cytogenetic location: 1p13.1.
Variant type: single nucleotide variant.
Coding change: c.783+256C>G on transcript NM_001232.4 (MANE Select); 256 bases into the intron after coding-DNA position 783, C replaced by G.
Molecular consequence: intron variant.
Genome position (GRCh38, 1-based): chr1:115,725,252, G>C on the plus strand (C>G on the coding strand, the complement: CASQ2 is on the minus strand). VCF-style: chr1-115725252-G-C. GRCh37 (hg19) VCF-style: chr1-116267873-G-C.
Identifiers: ClinVar variation 673494 (VCV000673494.1), dbSNP rs115594101, ClinGen allele CA29634397.